The following is an entry in ClinVar:

NM_139076.3(ABRAXAS1):c.15T>G (p.Ser5Arg)

Genes: ABRAXAS1 (abraxas 1, BRCA1 A complex subunit; minus strand), LOC129992784 (ATAC-STARR-seq lymphoblastoid silent region 15542; plus strand). Cytogenetic location: 4q21.23.
Variant type: single nucleotide variant.
Coding change: c.15T>G on transcript NM_139076.3 (MANE Select); coding-DNA position 15, T replaced by G.
Protein change: p.Ser5Arg; replaces serine 5 with arginine.
Molecular consequence: missense variant. On other transcripts: 5 prime UTR variant (1).
Genome position (GRCh38, 1-based): chr4:83,485,058, A>C on the plus strand (T>G on the coding strand, the complement: ABRAXAS1 is on the minus strand). VCF-style: chr4-83485058-A-C. GRCh37 (hg19) VCF-style: chr4-84406211-A-C.
Other names: c.-246T>G (NM_001345962.2); short protein forms S5R.
Identifiers: ClinVar variation 850364 (VCV000850364.10), dbSNP rs764011145, ClinGen allele CA2990689.

ClinVar aggregate classification (germline): Uncertain significance. Review status: criteria provided, multiple submitters, no conflicts (2 of 4 stars). 2 submissions from 2 submitters: Uncertain significance (2). Last evaluated 2024-02-24.

Allele frequency attached by ClinVar (database versions not stated): gnomAD exomes below 0.00001; ExAC 0.00001; TOPMed 0.00005.
gnomAD v4.1: 2 of 1,588,966 alleles (0.00013%); highest among the groups gnomAD compares: South Asian, 0.0011%; no homozygotes.

Submissions (2):

Labcorp Genetics (formerly Invitae), Labcorp
Classification: Uncertain significance. Last evaluated: 2024-02-24. Review status: criteria provided, single submitter. Criteria: Invitae Variant Classification Sherloc (09022015). Collection method: clinical testing. Allele origin: germline.
Comment: This sequence change replaces serine, which is neutral and polar, with arginine, which is basic and polar, at codon 5 of the ABRAXAS1 protein (p.Ser5Arg). This variant is present in population databases (rs764011145, gnomAD 0.001%). This variant has not been reported in the literature in individuals affected with ABRAXAS1-related conditions. ClinVar contains an entry for this variant (Variation ID: 850364). Algorithms developed to predict the effect of missense changes on protein structure and function output the following: SIFT: "Not Available"; PolyPhen-2: "Benign"; Align-GVGD: "Not Available". The arginine amino acid residue is found in multiple mammalian species, which suggests that this missense change does not adversely affect protein function. In summary, the available evidence is currently insufficient to determine the role of this variant in disease. Therefore, it has been classified as a Variant of Uncertain Significance.

Ambry Genetics
Classification: Uncertain significance. Last evaluated: 2023-12-21. Review status: criteria provided, single submitter. Criteria: Ambry Variant Classification Scheme 2023. Collection method: clinical testing. Allele origin: germline.
Comment: The p.S5R variant (also known as c.15T>G), located in coding exon 1 of the FAM175A gene, results from a T to G substitution at nucleotide position 15. The serine at codon 5 is replaced by arginine, an amino acid with dissimilar properties. This amino acid position is conserved. In addition, this alteration is predicted to be tolerated by in silico analysis. Since supporting evidence is limited at this time, the clinical significance of this alteration remains unclear.